The following is an entry in ClinVar:

NM_198578.4(LRRK2):c.1935G>C (p.Gln645His)

Gene: LRRK2 (leucine rich repeat kinase 2; plus strand). Cytogenetic location: 12q12.
Variant type: single nucleotide variant.
Coding change: c.1935G>C on transcript NM_198578.4 (MANE Select); coding-DNA position 1935, G replaced by C.
Protein change: p.Gln645His; replaces glutamine 645 with histidine.
Molecular consequence: missense variant.
Genome position (GRCh38, 1-based): chr12:40,274,987, G>C. VCF-style: chr12-40274987-G-C. GRCh37 (hg19) VCF-style: chr12-40668789-G-C.
Other names: short protein forms Q645H.
Identifiers: ClinVar variation 4714391 (VCV004714391.1).

ClinVar aggregate classification (germline): Uncertain significance (1 of 4 stars; one submission).

Conditions:
Autosomal dominant Parkinson disease 8. Also called: LRRK2-Related Parkinson Disease; Parkinson disease 8; Parkinson disease 8, susceptibility to. Identifiers: Orphanet 411602, MedGen C1846862, MONDO:0011764, OMIM 607060.

Submission:

Labcorp Genetics (formerly Invitae), Labcorp
Classification: Uncertain significance for Autosomal dominant Parkinson disease 8. Last evaluated: 2025-07-08. Review status: criteria provided, single submitter. Criteria: Invitae Variant Classification Sherloc (09022015). Collection method: clinical testing. Allele origin: germline.
Comment: This sequence change replaces glutamine, which is neutral and polar, with histidine, which is basic and polar, at codon 645 of the LRRK2 protein (p.Gln645His). This variant is not present in population databases (gnomAD no frequency). This variant has not been reported in the literature in individuals affected with LRRK2-related conditions. Invitae Evidence Modeling of protein sequence and biophysical properties (such as structural, functional, and spatial information, amino acid conservation, physicochemical variation, residue mobility, and thermodynamic stability) has been performed for this missense variant. However, the output from this modeling did not meet the statistical confidence thresholds required to predict the impact of this variant on LRRK2 protein function. In summary, the available evidence is currently insufficient to determine the role of this variant in disease. Therefore, it has been classified as a Variant of Uncertain Significance.